The following is an entry in ClinVar:

NM_004830.4(MED23):c.3078C>T (p.Leu1026=)

Gene: MED23 (mediator complex subunit 23; minus strand). Cytogenetic location: 6q23.2.
Variant type: single nucleotide variant.
Coding change: c.3078C>T on transcript NM_004830.4 (MANE Select); coding-DNA position 3078, C replaced by T.
Protein change: p.Leu1026=; no amino-acid change (leucine 1026 retained).
Molecular consequence: synonymous variant.
Genome position (GRCh38, 1-based): chr6:131,594,253, G>A on the plus strand (C>T on the coding strand, the complement: MED23 is on the minus strand). VCF-style: chr6-131594253-G-A. GRCh37 (hg19) VCF-style: chr6-131915393-G-A.
Other names: c.3078C>T, p.Leu1026= (NM_001270521.2, NM_001270522.2); c.3096C>T, p.Leu1032= (NM_001376517.1, NM_015979.4); c.3024C>T, p.Leu1008= (NM_001376518.1); c.2940C>T, p.Leu980= (NM_001376519.1, NM_001376521.1); c.2937C>T, p.Leu979= (NM_001376520.1); c.2907C>T, p.Leu969= (NM_001376522.1); c.2823C>T, p.Leu941= (NM_001376523.1); c.2691C>T, p.Leu897= (NM_001376524.1).
Identifiers: ClinVar variation 2673079 (VCV002673079.23), dbSNP rs771563986, ClinGen allele CA3999687.

ClinVar aggregate classification (germline): Likely benign (1 of 4 stars; one submission).

Allele frequency attached by ClinVar (database versions not stated): gnomAD 0.00001; gnomAD exomes 0.00001; ExAC 0.00002; TOPMed 0.00002.
gnomAD v4.1: 14 of 1,614,024 alleles (0.00087%); highest among the groups gnomAD compares: East Asian, 0.0067%; no homozygotes.

Submission:

CeGaT Center for Human Genetics Tuebingen
Classification: Likely benign. Last evaluated: 2023-11-01. Review status: criteria provided, single submitter. Criteria: CeGaT Center For Human Genetics Tuebingen Variant Classification Criteria Version 2. Collection method: clinical testing. Allele origin: germline. Affected: yes. Observed: 1 variant allele.
Comment: MED23: BP4, BP7